The following is an entry in ClinVar:

NM_021098.3(CACNA1H):c.6061A>G (p.Thr2021Ala)

Gene: CACNA1H (calcium voltage-gated channel subunit alpha1 H; plus strand). Cytogenetic location: 16p13.3.
Variant type: single nucleotide variant.
Coding change: c.6061A>G on transcript NM_021098.3 (MANE Select); coding-DNA position 6061, A replaced by G.
Protein change: p.Thr2021Ala; replaces threonine 2021 with alanine.
Molecular consequence: missense variant.
Genome position (GRCh38, 1-based): chr16:1,219,993, A>G. VCF-style: chr16-1219993-A-G. GRCh37 (hg19) VCF-style: chr16-1269993-A-G.
Other names: c.6043A>G, p.Thr2015Ala (NM_001005407.2); short protein forms T2015A, T2021A.
Identifiers: ClinVar variation 1977212 (VCV001977212.5), dbSNP rs2141405909, ClinGen allele CA394148994.

ClinVar aggregate classification (germline): Uncertain significance (1 of 4 stars; one submission).

Conditions:
Idiopathic generalized epilepsy. Also called: Generalised epilepsy; EIG. Identifiers: MedGen C0270850, MONDO:0005579, OMIM 600669.
Hyperaldosteronism, familial, type IV (HALD4). Also called: FH IV; ALDOSTERONISM, PRIMARY, AND HYPERTENSION. Identifiers: Orphanet 642671, MedGen C4310756, MONDO:0014875, OMIM 617027.

Submission:

Labcorp Genetics (formerly Invitae), Labcorp
Classification: Uncertain significance for Idiopathic generalized epilepsy; Hyperaldosteronism, familial, type IV. Last evaluated: 2026-01-12. Review status: criteria provided, single submitter. Criteria: Invitae Variant Classification Sherloc (09022015). Collection method: clinical testing. Allele origin: germline.
Comment: This sequence change replaces threonine, which is neutral and polar, with alanine, which is neutral and non-polar, at codon 2021 of the CACNA1H protein (p.Thr2021Ala). This variant is not present in population databases (gnomAD no frequency). This variant has not been reported in the literature in individuals affected with CACNA1H-related conditions. ClinVar contains an entry for this variant (Variation ID: 1977212). Invitae Evidence Modeling of protein sequence and biophysical properties (such as structural, functional, and spatial information, amino acid conservation, physicochemical variation, residue mobility, and thermodynamic stability) indicates that this missense variant is not expected to disrupt CACNA1H protein function with a negative predictive value of 80%. In summary, the available evidence is currently insufficient to determine the role of this variant in disease. Therefore, it has been classified as a Variant of Uncertain Significance.